The following is an entry in ClinVar:

NM_144573.4(NEXN):c.53T>C (p.Val18Ala)

Gene: NEXN (nexilin F-actin binding protein; plus strand). Cytogenetic location: 1p31.1.
Variant type: single nucleotide variant.
Coding change: c.53T>C on transcript NM_144573.4 (MANE Select); coding-DNA position 53, T replaced by C.
Protein change: p.Val18Ala; replaces valine 18 with alanine.
Molecular consequence: missense variant. On other transcripts: intron variant (1).
Genome position (GRCh38, 1-based): chr1:77,917,591, T>C. VCF-style: chr1-77917591-T-C. GRCh37 (hg19) VCF-style: chr1-78383276-T-C.
Other names: c.28-369T>C (NM_001172309.2); short protein forms V18A.
Identifiers: ClinVar variation 4056827 (VCV004056827.1).

ClinVar aggregate classification (germline): Uncertain significance (1 of 4 stars; one submission).

gnomAD v4.1: 20 of 1,613,280 alleles (0.0012%); highest among the groups gnomAD compares: Middle Eastern, 0.016%; no homozygotes.

Submission:

GeneDx
Classification: Uncertain significance. Last evaluated: 2025-01-14. Review status: criteria provided, single submitter. Criteria: GeneDx Variant Classification Process June 2021. Collection method: clinical testing. Allele origin: germline. Affected: yes.
Comment: In silico analysis indicates that this missense variant does not alter protein structure/function; Observed in an individual with dilated cardiomyopathy in published literature (PMID: 28416588); This variant is associated with the following publications: (PMID: 28416588)